The following is an entry in ClinVar:

ClinVar aggregate classification (germline): Uncertain significance (1 of 4 stars; one submission).

Conditions:
Lafora disease. Also called: Epilepsy progressive myoclonic 2; Progressive Myoclonus Epilepsy, Lafora Type. Identifiers: Orphanet 501, MedGen C0751783, MONDO:0009697.

Allele frequency attached by ClinVar (database versions not stated): gnomAD 0.00001; gnomAD exomes below 0.00001.
gnomAD v4.1: 7 of 1,613,572 alleles (0.00043%); highest among the groups gnomAD compares: Non-Finnish European, 0.00059%; no homozygotes.

Submission:

Labcorp Genetics (formerly Invitae), Labcorp
Classification: Uncertain significance for Lafora disease. Last evaluated: 2022-06-29. Review status: criteria provided, single submitter. Criteria: Invitae Variant Classification Sherloc (09022015). Collection method: clinical testing. Allele origin: germline.
Comment: This sequence change replaces glycine, which is neutral and non-polar, with arginine, which is basic and polar, at codon 139 of the NHLRC1 protein (p.Gly139Arg). This variant is not present in population databases (gnomAD no frequency). This variant has not been reported in the literature in individuals affected with NHLRC1-related conditions. ClinVar contains an entry for this variant (Variation ID: 844833). Algorithms developed to predict the effect of missense changes on protein structure and function (SIFT, PolyPhen-2, Align-GVGD) all suggest that this variant is likely to be disruptive. In summary, the available evidence is currently insufficient to determine the role of this variant in disease. Therefore, it has been classified as a Variant of Uncertain Significance.

NM_198586.3(NHLRC1):c.415G>A (p.Gly139Arg)

Gene: NHLRC1 (NHL repeat containing E3 ubiquitin protein ligase 1; minus strand). Cytogenetic location: 6p22.3.
Variant type: single nucleotide variant.
Coding change: c.415G>A on transcript NM_198586.3 (MANE Select); coding-DNA position 415, G replaced by A.
Protein change: p.Gly139Arg; replaces glycine 139 with arginine.
Molecular consequence: missense variant.
Genome position (GRCh38, 1-based): chr6:18,122,192, C>T on the plus strand (G>A on the coding strand, the complement: NHLRC1 is on the minus strand). VCF-style: chr6-18122192-C-T. GRCh37 (hg19) VCF-style: chr6-18122423-C-T.
Other names: short protein forms G139R.
Identifiers: ClinVar variation 844833 (VCV000844833.10), dbSNP rs1783749311, ClinGen allele CA362828510.